The following is an entry in ClinVar:

NM_001371928.1(AHDC1):c.206C>T (p.Pro69Leu)

Gene: AHDC1 (AT-hook DNA binding motif containing 1; minus strand). Cytogenetic location: 1p36.11.
Variant type: single nucleotide variant.
Coding change: c.206C>T on transcript NM_001371928.1 (MANE Select); coding-DNA position 206, C replaced by T.
Protein change: p.Pro69Leu; replaces proline 69 with leucine.
Molecular consequence: missense variant.
Genome position (GRCh38, 1-based): chr1:27,551,910, G>A on the plus strand (C>T on the coding strand, the complement: AHDC1 is on the minus strand). VCF-style: chr1-27551910-G-A. GRCh37 (hg19) VCF-style: chr1-27878421-G-A.
Other names: c.206C>T, p.Pro69Leu (NM_001029882.3); short protein forms P69L.
Identifiers: ClinVar variation 2162697 (VCV002162697.4), dbSNP rs2019591414, ClinGen allele CA339238252.

ClinVar aggregate classification (germline): Uncertain significance (1 of 4 stars; one submission).

Submission:

Labcorp Genetics (formerly Invitae), Labcorp
Classification: Uncertain significance. Last evaluated: 2022-03-15. Review status: criteria provided, single submitter. Criteria: Invitae Variant Classification Sherloc (09022015). Collection method: clinical testing. Allele origin: germline.
Comment: Algorithms developed to predict the effect of missense changes on protein structure and function are either unavailable or do not agree on the potential impact of this missense change (SIFT: "Deleterious"; PolyPhen-2: "Possibly Damaging"; Align-GVGD: "Class C0"). This variant has not been reported in the literature in individuals affected with AHDC1-related conditions. This variant is not present in population databases (gnomAD no frequency). This sequence change replaces proline, which is neutral and non-polar, with leucine, which is neutral and non-polar, at codon 69 of the AHDC1 protein (p.Pro69Leu). In summary, the available evidence is currently insufficient to determine the role of this variant in disease. Therefore, it has been classified as a Variant of Uncertain Significance.